The following is an entry in ClinVar:

NM_004484.4(GPC3):c.1534G>A (p.Gly512Arg)

Gene: GPC3 (glypican 3; minus strand). Cytogenetic location: Xq26.2.
Variant type: single nucleotide variant.
Coding change: c.1534G>A on transcript NM_004484.4 (MANE Select); coding-DNA position 1534, G replaced by A.
Protein change: p.Gly512Arg; replaces glycine 512 with arginine.
Molecular consequence: missense variant.
Genome position (GRCh38, 1-based): chrX:133,596,479, C>T on the plus strand (G>A on the coding strand, the complement: GPC3 is on the minus strand). VCF-style: chrX-133596479-C-T. GRCh37 (hg19) VCF-style: chrX-132730507-C-T.
Other names: c.1603G>A, p.Gly535Arg (NM_001164617.2); c.1486G>A, p.Gly496Arg (NM_001164618.2); c.1372G>A, p.Gly458Arg (NM_001164619.2); short protein forms G512R, G496R, G535R, G458R.
Identifiers: ClinVar variation 476649 (VCV000476649.9), dbSNP rs1556159239, ClinGen allele CA414700883.

ClinVar aggregate classification (germline): Uncertain significance (1 of 4 stars; one submission).

Conditions:
Wilms tumor 1 (WT1). Also called: Wilms tumor, somatic. Identifiers: Orphanet 654, MedGen CN033288, MONDO:0008679, OMIM 194070.

Submission:

Labcorp Genetics (formerly Invitae), Labcorp
Classification: Uncertain significance for Wilms tumor 1. Last evaluated: 2022-11-22. Review status: criteria provided, single submitter. Criteria: Invitae Variant Classification Sherloc (09022015). Collection method: clinical testing. Allele origin: germline.
Comment: In summary, the available evidence is currently insufficient to determine the role of this variant in disease. Therefore, it has been classified as a Variant of Uncertain Significance. Algorithms developed to predict the effect of missense changes on protein structure and function are either unavailable or do not agree on the potential impact of this missense change (SIFT: "Deleterious"; PolyPhen-2: "Probably Damaging"; Align-GVGD: "Class C0"). ClinVar contains an entry for this variant (Variation ID: 476649). This variant has not been reported in the literature in individuals affected with GPC3-related conditions. This variant is not present in population databases (gnomAD no frequency). This sequence change replaces glycine, which is neutral and non-polar, with arginine, which is basic and polar, at codon 512 of the GPC3 protein (p.Gly512Arg).